The following is an entry in ClinVar:

ClinVar aggregate classification (germline): Pathogenic (1 of 4 stars; one submission).

Conditions:
DICER1-related tumor predisposition. Also called: DICER1-related pleuropulmonary blastoma cancer predisposition syndrome; DICER1 syndrome. Identifiers: Orphanet 284343, MedGen C3839822, MONDO:0100216.

Submission:

Labcorp Genetics (formerly Invitae), Labcorp
Classification: Pathogenic for DICER1-related tumor predisposition. Last evaluated: 2020-12-17. Review status: criteria provided, single submitter. Criteria: Invitae Variant Classification Sherloc (09022015). Collection method: clinical testing. Allele origin: germline.
Comment: For these reasons, this variant has been classified as Pathogenic. This variant has not been reported in the literature in individuals with DICER1-related conditions. This variant is not present in population databases (ExAC no frequency). This sequence change creates a premature translational stop signal (p.Leu777*) in the DICER1 gene. It is expected to result in an absent or disrupted protein product. Loss-of-function variants in DICER1 are known to be pathogenic (PMID: 19556464, 21266384).

Literature cited by the submitters: PubMed 19556464; PubMed 21266384.

NM_177438.3(DICER1):c.2330T>G (p.Leu777Ter)

Gene: DICER1 (dicer 1, ribonuclease III; minus strand). Cytogenetic location: 14q32.13.
Variant type: single nucleotide variant.
Coding change: c.2330T>G on transcript NM_177438.3 (MANE Select); coding-DNA position 2330, T replaced by G.
Protein change: p.Leu777Ter; replaces leucine 777 with a stop codon.
Molecular consequence: nonsense.
Genome position (GRCh38, 1-based): chr14:95,108,430, A>C on the plus strand (T>G on the coding strand, the complement: DICER1 is on the minus strand). VCF-style: chr14-95108430-A-C. GRCh37 (hg19) VCF-style: chr14-95574767-A-C.
Other names: c.2330T>G, p.Leu777Ter (NM_001195573.1, NM_001271282.3, NM_001291628.2 and 1 more transcripts); short protein forms L777*.
Identifiers: ClinVar variation 1369695 (VCV001369695.7), dbSNP rs2140032822, ClinGen allele CA390882278.